The following is an entry in ClinVar:

ClinVar aggregate classification (germline): Uncertain significance (1 of 4 stars; one submission).

Submission:

Labcorp Genetics (formerly Invitae), Labcorp
Classification: Uncertain significance. Last evaluated: 2024-09-29. Review status: criteria provided, single submitter. Criteria: Invitae Variant Classification Sherloc (09022015). Collection method: clinical testing. Allele origin: germline.
Comment: This sequence change creates a premature translational stop signal (p.Glu23*) in the RP9 gene. It is expected to result in an absent or disrupted protein product. However, the current clinical and genetic evidence is not sufficient to establish whether loss-of-function variants in RP9 cause disease. This variant is not present in population databases (gnomAD no frequency). This variant has not been reported in the literature in individuals affected with RP9-related conditions. In summary, the available evidence is currently insufficient to determine the role of this variant in disease. Therefore, it has been classified as a Variant of Uncertain Significance.

NM_203288.2(RP9):c.67G>T (p.Glu23Ter)

Genes: RP9 (RP9 pre-mRNA splicing factor; minus strand), LOC129998225 (ATAC-STARR-seq lymphoblastoid silent region 18090; plus strand). Cytogenetic location: 7p14.3.
Variant type: single nucleotide variant.
Coding change: c.67G>T on transcript NM_203288.2 (MANE Select); coding-DNA position 67, G replaced by T.
Protein change: p.Glu23Ter; replaces glutamic acid 23 with a stop codon.
Molecular consequence: nonsense.
Genome position (GRCh38, 1-based): chr7:33,109,306, C>A on the plus strand (G>T on the coding strand, the complement: RP9 is on the minus strand). VCF-style: chr7-33109306-C-A. GRCh37 (hg19) VCF-style: chr7-33148918-C-A.
Other names: short protein forms E23*.
Identifiers: ClinVar variation 3683061 (VCV003683061.2).
Genomic context (GRCh38, chr7:33,109,306, plus strand): 5'-GCAGCTGCTGCGCGTCGTGTCGCCGCCGCTTCTGCTCCCGACGTCGCTGCAGCTCCTGCT[C>A]CGGCGGCTCACGCGGCCGCCGCGCGCCCGCAGCCCCCACGTCCTCGCGCCCAGGCCGGGA-3'